The following is an entry in ClinVar:

NM_001846.4(COL4A2):c.5022C>G (p.Phe1674Leu)

Gene: COL4A2 (collagen type IV alpha 2 chain; plus strand). Cytogenetic location: 13q34.
Variant type: single nucleotide variant.
Coding change: c.5022C>G on transcript NM_001846.4 (MANE Select); coding-DNA position 5022, C replaced by G.
Protein change: p.Phe1674Leu; replaces phenylalanine 1674 with leucine.
Molecular consequence: missense variant.
Genome position (GRCh38, 1-based): chr13:110,512,074, C>G. VCF-style: chr13-110512074-C-G. GRCh37 (hg19) VCF-style: chr13-111164421-C-G.
Other names: short protein forms F1674L.
Identifiers: ClinVar variation 4083338 (VCV004083338.1).

ClinVar aggregate classification (germline): Uncertain significance (1 of 4 stars; one submission).

Submission:

GeneDx
Classification: Uncertain significance. Last evaluated: 2025-03-12. Review status: criteria provided, single submitter. Criteria: GeneDx Variant Classification Process June 2021. Collection method: clinical testing. Allele origin: germline. Affected: yes.
Comment: Not observed at significant frequency in large population cohorts (gnomAD); In silico analysis supports that this missense variant has a deleterious effect on protein structure/function; Has not been previously published as pathogenic or benign to our knowledge